The following is an entry in ClinVar:

NM_198578.4(LRRK2):c.6493G>A (p.Ala2165Thr)

Gene: LRRK2 (leucine rich repeat kinase 2; plus strand). Cytogenetic location: 12q12.
Variant type: single nucleotide variant.
Coding change: c.6493G>A on transcript NM_198578.4 (MANE Select); coding-DNA position 6493, G replaced by A.
Protein change: p.Ala2165Thr; replaces alanine 2165 with threonine.
Molecular consequence: missense variant.
Genome position (GRCh38, 1-based): chr12:40,351,650, G>A. VCF-style: chr12-40351650-G-A. GRCh37 (hg19) VCF-style: chr12-40745452-G-A.
Other names: short protein forms A2165T.
Identifiers: ClinVar variation 3540706 (VCV003540706.1).

ClinVar aggregate classification (germline): Uncertain significance (1 of 4 stars; one submission).

Conditions:
Inborn genetic diseases. Identifiers: MedGen C0950123, MeSH D030342.

gnomAD v4.1: 5 of 1,614,180 alleles (0.00031%); highest among the groups gnomAD compares: Non-Finnish European, 0.00042%; no homozygotes.

Submission:

Ambry Genetics
Classification: Uncertain significance for Inborn genetic diseases. Last evaluated: 2024-09-30. Review status: criteria provided, single submitter. Criteria: Ambry Variant Classification Scheme 2023. Collection method: clinical testing. Allele origin: germline.
Comment: The p.A2165T variant (also known as c.6493G>A), located in coding exon 44 of the LRRK2 gene, results from a G to A substitution at nucleotide position 6493. The alanine at codon 2165 is replaced by threonine, an amino acid with similar properties. This amino acid position is conserved. In addition, this alteration is predicted to be tolerated by in silico analysis. Based on the available evidence, the clinical significance of this variant remains unclear.